The following is an entry in ClinVar:

NM_182943.3(PLOD2):c.1291G>T (p.Ala431Ser)

Gene: PLOD2 (procollagen-lysine,2-oxoglutarate 5-dioxygenase 2; minus strand). Cytogenetic location: 3q24.
Variant type: single nucleotide variant.
Coding change: c.1291G>T on transcript NM_182943.3 (MANE Select); coding-DNA position 1291, G replaced by T.
Protein change: p.Ala431Ser; replaces alanine 431 with serine.
Molecular consequence: missense variant.
Genome position (GRCh38, 1-based): chr3:146,081,805, C>A on the plus strand (G>T on the coding strand, the complement: PLOD2 is on the minus strand). VCF-style: chr3-146081805-C-A. GRCh37 (hg19) VCF-style: chr3-145799592-C-A.
Other names: c.1291G>T, p.Ala431Ser (NM_000935.3); short protein forms A431S.
Identifiers: ClinVar variation 1719570 (VCV001719570.5), dbSNP rs2473242670, ClinGen allele CA354889803.

ClinVar aggregate classification (germline): Uncertain significance (1 of 4 stars; one submission).

Submission:

Labcorp Genetics (formerly Invitae), Labcorp
Classification: Uncertain significance. Last evaluated: 2022-07-19. Review status: criteria provided, single submitter. Criteria: Invitae Variant Classification Sherloc (09022015). Collection method: clinical testing. Allele origin: germline.
Comment: In summary, the available evidence is currently insufficient to determine the role of this variant in disease. Therefore, it has been classified as a Variant of Uncertain Significance. Algorithms developed to predict the effect of missense changes on protein structure and function are either unavailable or do not agree on the potential impact of this missense change (SIFT: "Deleterious"; PolyPhen-2: "Benign"; Align-GVGD: "Class C65"). This variant has not been reported in the literature in individuals affected with PLOD2-related conditions. This variant is not present in population databases (gnomAD no frequency). This sequence change replaces alanine, which is neutral and non-polar, with serine, which is neutral and polar, at codon 431 of the PLOD2 protein (p.Ala431Ser).